The following is an entry in ClinVar:

NM_176787.5(PIGN):c.2606A>G (p.Asp869Gly)

Gene: PIGN (phosphatidylinositol glycan anchor biosynthesis class N; minus strand). Cytogenetic location: 18q21.33.
Variant type: single nucleotide variant.
Coding change: c.2606A>G on transcript NM_176787.5 (MANE Select); coding-DNA position 2606, A replaced by G.
Protein change: p.Asp869Gly; replaces aspartic acid 869 with glycine.
Molecular consequence: missense variant.
Genome position (GRCh38, 1-based): chr18:62,074,792, T>C on the plus strand (A>G on the coding strand, the complement: PIGN is on the minus strand). VCF-style: chr18-62074792-T-C. GRCh37 (hg19) VCF-style: chr18-59742025-T-C.
Other names: c.2606A>G, p.Asp869Gly (NM_012327.6); short protein forms D869G.
Identifiers: ClinVar variation 2095041 (VCV002095041.4), dbSNP rs2512237227, ClinGen allele CA402723571.

ClinVar aggregate classification (germline): Uncertain significance (1 of 4 stars; one submission).

Conditions:
Multiple congenital anomalies-hypotonia-seizures syndrome 1 (MCAHS1). Also called: GLYCOSYLPHOSPHATIDYLINOSITOL BIOSYNTHESIS DEFECT 3; PIGN-CDG; Congenital disorder of glycosylation due to PIGN deficiency. Identifiers: Orphanet 280633, MedGen C3279775, MONDO:0013563, OMIM 614080.

Allele frequency attached by ClinVar (database versions not stated): gnomAD exomes below 0.00001.
gnomAD v4.1: 1 of 1,606,482 alleles (0.000062%); highest among the groups gnomAD compares: Non-Finnish European, 0.000085%; no homozygotes.

Submission:

Labcorp Genetics (formerly Invitae), Labcorp
Classification: Uncertain significance for Multiple congenital anomalies-hypotonia-seizures syndrome 1. Last evaluated: 2022-02-08. Review status: criteria provided, single submitter. Criteria: Invitae Variant Classification Sherloc (09022015). Collection method: clinical testing. Allele origin: germline.
Comment: This sequence change replaces aspartic acid, which is acidic and polar, with glycine, which is neutral and non-polar, at codon 869 of the PIGN protein (p.Asp869Gly). This variant is not present in population databases (gnomAD no frequency). In summary, the available evidence is currently insufficient to determine the role of this variant in disease. Therefore, it has been classified as a Variant of Uncertain Significance. Algorithms developed to predict the effect of missense changes on protein structure and function are either unavailable or do not agree on the potential impact of this missense change (SIFT: "Not Available"; PolyPhen-2: "Probably Damaging"; Align-GVGD: "Not Available"). This variant has not been reported in the literature in individuals affected with PIGN-related conditions.